The following is an entry in ClinVar:

NM_001277115.2(DNAH11):c.2326A>G (p.Thr776Ala)

Gene: DNAH11 (dynein axonemal heavy chain 11; plus strand). Cytogenetic location: 7p15.3.
Variant type: single nucleotide variant.
Coding change: c.2326A>G on transcript NM_001277115.2 (MANE Select); coding-DNA position 2326, A replaced by G.
Protein change: p.Thr776Ala; replaces threonine 776 with alanine.
Molecular consequence: missense variant.
Genome position (GRCh38, 1-based): chr7:21,591,236, A>G. VCF-style: chr7-21591236-A-G. GRCh37 (hg19) VCF-style: chr7-21630854-A-G.
Other names: short protein forms T776A.
Identifiers: ClinVar variation 1698159 (VCV001698159.2), dbSNP rs1784667670, ClinGen allele CA366942450.

ClinVar aggregate classification (germline): Uncertain significance (1 of 4 stars; one submission).

Allele frequency attached by ClinVar (database versions not stated): TOPMed 0.00001.

Submission:

GeneDx
Classification: Uncertain significance. Last evaluated: 2022-01-24. Review status: criteria provided, single submitter. Criteria: GeneDx Variant Classification Process June 2021. Collection method: clinical testing. Allele origin: germline. Affected: yes.
Comment: Not observed at significant frequency in large population cohorts (gnomAD); In silico analysis supports that this missense variant has a deleterious effect on protein structure/function; Has not been previously published as pathogenic or benign to our knowledge